The following is an entry in ClinVar:

ClinVar aggregate classification (germline): Uncertain significance (1 of 4 stars; one submission).

Conditions:
Inborn genetic diseases. Identifiers: MedGen C0950123, MeSH D030342.

Submission:

Ambry Genetics
Classification: Uncertain significance for Inborn genetic diseases. Last evaluated: 2024-12-02. Review status: criteria provided, single submitter. Criteria: Ambry Variant Classification Scheme 2023. Collection method: clinical testing. Allele origin: germline.
Comment: The p.L129V variant (also known as c.385C>G), located in coding exon 3 of the G6PC3 gene, results from a C to G substitution at nucleotide position 385. The leucine at codon 129 is replaced by valine, an amino acid with highly similar properties. This amino acid position is conserved. In addition, this alteration is predicted to be tolerated by in silico analysis. Based on the available evidence, the clinical significance of this variant remains unclear.

NM_138387.4(G6PC3):c.385C>G (p.Leu129Val)

Gene: G6PC3 (glucose-6-phosphatase catalytic subunit 3; plus strand). Cytogenetic location: 17q21.31.
Variant type: single nucleotide variant.
Coding change: c.385C>G on transcript NM_138387.4 (MANE Select); coding-DNA position 385, C replaced by G.
Protein change: p.Leu129Val; replaces leucine 129 with valine.
Molecular consequence: missense variant.
Genome position (GRCh38, 1-based): chr17:44,074,739, C>G. VCF-style: chr17-44074739-C-G. GRCh37 (hg19) VCF-style: chr17-42152107-C-G.
Other names: c.385C>G, p.Leu129Val (NM_001319945.2); c.40C>G, p.Leu14Val (NM_001384165.1, NM_001384166.1, NM_001384167.1 and 1 more transcripts); short protein forms L129V, L14V.
Identifiers: ClinVar variation 3518066 (VCV003518066.1).